The following is an entry in ClinVar:

ClinVar aggregate classification (germline): Conflicting classifications of pathogenicity. Review status: criteria provided, conflicting classifications (1 of 4 stars). 3 submissions from 3 submitters: Uncertain significance (1); Likely benign (2). Last evaluated 2025-11-10.

Conditions:
Distal myopathy with posterior leg and anterior hand involvement. Also called: WILLIAMS DISTAL MYOPATHY. Identifiers: Orphanet 63273, MedGen C3279722, MONDO:0013550, OMIM 614065.
Myofibrillar myopathy 5. Also called: Filaminopathy (type); FILAMINOPATHY, AUTOSOMAL DOMINANT. Identifiers: Orphanet 171445, MedGen C1836050, MONDO:0012289, OMIM 609524.
Hypertrophic cardiomyopathy 26. Also called: Cardiomyopathy, familial hypertrophic, 26. Identifiers: Orphanet 75249, MedGen C4310749, MONDO:0014883, OMIM 617047.
Cardiovascular phenotype. Identifiers: MedGen CN230736.

Allele frequency attached by ClinVar (database versions not stated): ExAC 0.00001; gnomAD 0.00001; gnomAD exomes 0.00001; 1000 Genomes Project 30x 0.00016; 1000 Genomes Project 0.00020.

Submissions (3):

Labcorp Genetics (formerly Invitae), Labcorp
Classification: Likely benign for Distal myopathy with posterior leg and anterior hand involvement; Myofibrillar myopathy 5; Hypertrophic cardiomyopathy 26. Last evaluated: 2025-11-10. Review status: criteria provided, single submitter. Criteria: Invitae Variant Classification Sherloc (09022015). Collection method: clinical testing. Allele origin: germline.

GeneDx
Classification: Uncertain significance. Last evaluated: 2025-02-04. Review status: criteria provided, single submitter. Criteria: GeneDx Variant Classification Process June 2021. Collection method: clinical testing. Allele origin: germline. Affected: yes.
Comment: Not observed at significant frequency in large population cohorts (gnomAD); In silico analysis indicates that this variant does not alter splicing; Has not been previously published as pathogenic or benign to our knowledge

Ambry Genetics
Classification: Likely benign for Cardiovascular phenotype. Last evaluated: 2021-04-13. Review status: criteria provided, single submitter. Criteria: Ambry Variant Classification Scheme 2023. Collection method: clinical testing. Allele origin: germline.

NM_001458.5(FLNC):c.7933C>T (p.Leu2645=)

Genes: FLNC (filamin C; plus strand), FLNC-AS1 (FLNC antisense RNA 1; minus strand). Cytogenetic location: 7q32.1.
Variant type: single nucleotide variant.
Coding change: c.7933C>T on transcript NM_001458.5 (MANE Select); coding-DNA position 7933, C replaced by T.
Protein change: p.Leu2645=; no amino-acid change (leucine 2645 retained).
Molecular consequence: synonymous variant.
Genome position (GRCh38, 1-based): chr7:128,858,160, C>T. VCF-style: chr7-128858160-C-T. GRCh37 (hg19) VCF-style: chr7-128498214-C-T.
Other names: c.7834C>T, p.Leu2612= (NM_001127487.2).
Identifiers: ClinVar variation 472184 (VCV000472184.13), dbSNP rs571671091, ClinGen allele CA4476383.